The following is an entry in ClinVar:

ClinVar aggregate classification (germline): Uncertain significance (1 of 4 stars; one submission).

Allele frequency attached by ClinVar (database versions not stated): gnomAD exomes below 0.00001; TOPMed below 0.00001; gnomAD 0.00001.
gnomAD v4.1: 7 of 1,613,914 alleles (0.00043%); highest among the groups gnomAD compares: Non-Finnish European, 0.00059%; no homozygotes.

Submission:

Labcorp Genetics (formerly Invitae), Labcorp
Classification: Uncertain significance. Last evaluated: 2022-04-29. Review status: criteria provided, single submitter. Criteria: Invitae Variant Classification Sherloc (09022015). Collection method: clinical testing. Allele origin: germline.
Comment: This variant has not been reported in the literature in individuals affected with FAT1-related conditions. This variant is not present in population databases (gnomAD no frequency). This sequence change replaces leucine, which is neutral and non-polar, with proline, which is neutral and non-polar, at codon 3696 of the FAT1 protein (p.Leu3696Pro). Algorithms developed to predict the effect of missense changes on protein structure and function (SIFT, PolyPhen-2, Align-GVGD) all suggest that this variant is likely to be disruptive. In summary, the available evidence is currently insufficient to determine the role of this variant in disease. Therefore, it has been classified as a Variant of Uncertain Significance.

NM_005245.4(FAT1):c.11087T>C (p.Leu3696Pro)

Genes: FAT1 (FAT atypical cadherin 1; minus strand), LOC126807254 (BRD4-independent group 4 enhancer GRCh37_chr4:187524269-187525468; plus strand). Cytogenetic location: 4q35.2.
Variant type: single nucleotide variant.
Coding change: c.11087T>C on transcript NM_005245.4 (MANE Select); coding-DNA position 11087, T replaced by C.
Protein change: p.Leu3696Pro; replaces leucine 3696 with proline.
Molecular consequence: missense variant.
Genome position (GRCh38, 1-based): chr4:186,603,439, A>G on the plus strand (T>C on the coding strand, the complement: FAT1 is on the minus strand). VCF-style: chr4-186603439-A-G. GRCh37 (hg19) VCF-style: chr4-187524593-A-G.
Other names: short protein forms L3696P.
Identifiers: ClinVar variation 2056368 (VCV002056368.4), dbSNP rs886617303, ClinGen allele CA112157146.